The following is an entry in ClinVar:

NM_007294.4(BRCA1):c.4066C>G (p.Gln1356Glu)

Genes: BRCA1 (BRCA1 DNA repair associated; minus strand), LOC126862571 (BRD4-independent group 4 enhancer GRCh37_chr17:41243136-41244335; plus strand). Cytogenetic location: 17q21.31.
Variant type: single nucleotide variant.
Coding change: c.4066C>G on transcript NM_007294.4 (MANE Select); coding-DNA position 4066, C replaced by G.
Protein change: p.Gln1356Glu; replaces glutamine 1356 with glutamic acid.
Molecular consequence: missense variant. On other transcripts: intron variant (135).
Genome position (GRCh38, 1-based): chr17:43,091,465, G>C on the plus strand (C>G on the coding strand, the complement: BRCA1 is on the minus strand). VCF-style: chr17-43091465-G-C. GRCh37 (hg19) VCF-style: chr17-41243482-G-C.
Other names: c.4063C>G, p.Gln1355Glu (NM_001407632.1, NM_001407633.1, NM_001407635.1 and 22 more transcripts); c.710-433C>G (NM_001408411.1, NM_001408415.1, NM_001408412.1 and 2 more transcripts); c.578-433C>G (NM_001408514.1, NM_001408485.1, NM_001408483.1 and 9 more transcripts); c.662-433C>G (NM_001408447.1, NM_001408433.1, NM_001408446.1 and 6 more transcripts); c.785-433C>G (NM_001408400.1, NM_001408392.1, NM_001407986.1 and 13 more transcripts); c.665-433C>G (NM_001408429.1, NM_001408441.1, NM_001408437.1 and 12 more transcripts); c.788-433C>G (NM_001407979.1, NM_001407977.1, NM_001407980.1 and 17 more transcripts); c.647-433C>G (NM_001408410.1, NM_001408458.1, NM_001408469.1 and 11 more transcripts); and 41 more; short protein forms Q1188E, Q1286E, Q1309E, Q1353E, Q1356E, Q488E, Q1060E, Q1285E.
Identifiers: ClinVar variation 3481869 (VCV003481869.1).

ClinVar aggregate classification (germline): Uncertain significance (1 of 4 stars; one submission).

Conditions:
Hereditary cancer-predisposing syndrome. Also called: Tumor predisposition; Neoplastic Syndromes, Hereditary; Hereditary Cancer Syndrome; Hereditary neoplastic syndrome. Identifiers: Orphanet 140162, MedGen C0027672, MeSH D009386, MONDO:0015356.

Submission:

Ambry Genetics
Classification: Uncertain significance for Hereditary cancer-predisposing syndrome. Last evaluated: 2024-10-13. Review status: criteria provided, single submitter. Criteria: Ambry Variant Classification Scheme 2023. Collection method: clinical testing. Allele origin: germline.
Comment: The p.Q1356E variant (also known as c.4066C>G), located in coding exon 9 of the BRCA1 gene, results from a C to G substitution at nucleotide position 4066. The glutamine at codon 1356 is replaced by glutamic acid, an amino acid with highly similar properties. This amino acid position is not well conserved in available vertebrate species. In addition, the in silico prediction for this alteration is inconclusive. Based on the available evidence, the clinical significance of this variant remains unclear.